The following is an entry in ClinVar:

NM_021961.6(TEAD1):c.832G>A (p.Gly278Arg)

Gene: TEAD1 (TEA domain transcription factor 1; plus strand). Cytogenetic location: 11p15.3.
Variant type: single nucleotide variant.
Coding change: c.832G>A on transcript NM_021961.6 (MANE Select); coding-DNA position 832, G replaced by A.
Protein change: p.Gly278Arg; replaces glycine 278 with arginine.
Molecular consequence: missense variant.
Genome position (GRCh38, 1-based): chr11:12,902,072, G>A. VCF-style: chr11-12902072-G-A. GRCh37 (hg19) VCF-style: chr11-12923619-G-A.
Other names: short protein forms G278R.
Identifiers: ClinVar variation 2118906 (VCV002118906.4), dbSNP rs2494669099, ClinGen allele CA379714660.
Genomic context (GRCh38, chr11:12,902,072, plus strand): 5'-GACATTCGTCAGATTTATGACAAATTTCCTGAAAAGAAAGGTGGCTTAAAGGAACTGTTT[G>A]GAAAGGGCCCTCAAAATGCCTTCTTCCTCGTAAAATTCTGGGTGAGTAAGACATTGCTGT-3'
Protein context (NP_068780.2, residues 268-288): EKKGGLKELF[Gly278Arg]KGPQNAFFLV

ClinVar aggregate classification (germline): Uncertain significance (1 of 4 stars; one submission).

Submission:

Labcorp Genetics (formerly Invitae), Labcorp
Classification: Uncertain significance. Last evaluated: 2022-03-28. Review status: criteria provided, single submitter. Criteria: Invitae Variant Classification Sherloc (09022015). Collection method: clinical testing. Allele origin: germline.
Comment: Algorithms developed to predict the effect of missense changes on protein structure and function (SIFT, PolyPhen-2, Align-GVGD) all suggest that this variant is likely to be tolerated. This variant has not been reported in the literature in individuals affected with TEAD1-related conditions. This variant is not present in population databases (gnomAD no frequency). This sequence change replaces glycine, which is neutral and non-polar, with arginine, which is basic and polar, at codon 278 of the TEAD1 protein (p.Gly278Arg). In summary, the available evidence is currently insufficient to determine the role of this variant in disease. Therefore, it has been classified as a Variant of Uncertain Significance.